The following is an entry in ClinVar:

NM_138477.4(CDAN1):c.3616C>G (p.Pro1206Ala)

Gene: CDAN1 (codanin 1; minus strand). Cytogenetic location: 15q15.2.
Variant type: single nucleotide variant.
Coding change: c.3616C>G on transcript NM_138477.4 (MANE Select); coding-DNA position 3616, C replaced by G.
Protein change: p.Pro1206Ala; replaces proline 1206 with alanine.
Molecular consequence: missense variant.
Genome position (GRCh38, 1-based): chr15:42,724,559, G>C on the plus strand (C>G on the coding strand, the complement: CDAN1 is on the minus strand). VCF-style: chr15-42724559-G-C. GRCh37 (hg19) VCF-style: chr15-43016757-G-C.
Other names: short protein forms P1206A.
Identifiers: ClinVar variation 1993244 (VCV001993244.4), dbSNP rs1336783229, ClinGen allele CA392024914.

ClinVar aggregate classification (germline): Uncertain significance (1 of 4 stars; one submission).

gnomAD v4.1: 1 of 1,557,060 alleles (0.000064%); no homozygotes.

Submission:

Labcorp Genetics (formerly Invitae), Labcorp
Classification: Uncertain significance. Last evaluated: 2022-05-19. Review status: criteria provided, single submitter. Criteria: Invitae Variant Classification Sherloc (09022015). Collection method: clinical testing. Allele origin: germline.
Comment: Algorithms developed to predict the effect of missense changes on protein structure and function (SIFT, PolyPhen-2, Align-GVGD) all suggest that this variant is likely to be tolerated. This variant has not been reported in the literature in individuals affected with CDAN1-related conditions. This variant is not present in population databases (gnomAD no frequency). This sequence change replaces proline, which is neutral and non-polar, with alanine, which is neutral and non-polar, at codon 1206 of the CDAN1 protein (p.Pro1206Ala). In summary, the available evidence is currently insufficient to determine the role of this variant in disease. Therefore, it has been classified as a Variant of Uncertain Significance.